The following is an entry in ClinVar:

ClinVar aggregate classification (germline): Uncertain significance (1 of 4 stars; one submission).

gnomAD v4.1: 2 of 1,614,032 alleles (0.00012%); highest among the groups gnomAD compares: Non-Finnish European, 0.00017%; no homozygotes.

Submission:

Women's Health and Genetics/Laboratory Corporation of America, LabCorp
Classification: Uncertain significance. Last evaluated: 2025-11-03. Review status: criteria provided, single submitter. Criteria: LabCorp Variant Classification Summary - May 2015. Collection method: clinical testing. Allele origin: germline.
Comment: Variant summary: KANSL1 c.3079C>T alters a non-conserved nucleotide resulting in a synonymous change. Several computational tools predict a significant impact on normal splicing: One predicts the variant creates a cryptic 3' acceptor site and one predicts the variant strengthens a cryptic 3' acceptor site. However, these predictions have yet to be confirmed by functional studies. The variant was absent in 251020 control chromosomes. The available data on variant occurrences in the general population are insufficient to allow any conclusion about variant significance. To our knowledge, no occurrence of c.3079C>T in individuals affected with KANSL1-related conditions and no experimental evidence demonstrating its impact on protein function have been reported. No submitters have cited clinical-significance assessments for this variant to ClinVar. Based on the evidence outlined above, the variant was classified as uncertain significance.

NM_015443.4(KANSL1):c.3079C>T (p.Leu1027=)

Gene: KANSL1 (KAT8 regulatory NSL complex subunit 1). Cytogenetic location: 17q21.31.
Variant type: single nucleotide variant.
Coding change: c.3079C>T on transcript NM_015443.4 (MANE Select); coding-DNA position 3079, C replaced by T.
Protein change: p.Leu1027=; no amino-acid change (leucine 1027 retained).
Molecular consequence: synonymous variant.
Genome position (GRCh38, 1-based): chr17:46,032,058, G>A on the plus strand (C>T on the coding strand, the complement: KANSL1 is on the minus strand). VCF-style: chr17-46032058-G-A. GRCh37 (hg19) VCF-style: chr17-44109424-G-A.
Other names: c.3076C>T, p.Leu1026= (NM_001193465.2, NM_001405856.1, NM_001405857.1 and 1 more transcripts); c.3079C>T, p.Leu1027= (NM_001193466.2, NM_001379198.1, NM_001405854.1 and 1 more transcripts); c.2977C>T, p.Leu993= (NM_001405859.1, NM_001405860.1); c.2974C>T, p.Leu992= (NM_001405861.1); c.2947C>T, p.Leu983= (NM_001405872.1, NM_001405873.1, NM_001405874.1); c.2890C>T, p.Leu964= (NM_001405875.1, NM_001405876.1, NM_001405877.1 and 1 more transcripts); c.2887C>T, p.Leu963= (NM_001405879.1, NM_001405880.1); c.2842C>T, p.Leu948= (NM_001405881.1); and 4 more.
Identifiers: ClinVar variation 4537126 (VCV004537126.1).